The following is an entry in ClinVar:

NM_001081550.2(THOC2):c.1508G>T (p.Cys503Phe)

Gene: THOC2 (THO complex subunit 2; minus strand). Cytogenetic location: Xq25.
Variant type: single nucleotide variant.
Coding change: c.1508G>T on transcript NM_001081550.2 (MANE Select); coding-DNA position 1508, G replaced by T.
Protein change: p.Cys503Phe; replaces cysteine 503 with phenylalanine.
Molecular consequence: missense variant.
Genome position (GRCh38, 1-based): chrX:123,644,830, C>A on the plus strand (G>T on the coding strand, the complement: THOC2 is on the minus strand). VCF-style: chrX-123644830-C-A. GRCh37 (hg19) VCF-style: chrX-122778681-C-A.
Other names: short protein forms C503F.
Identifiers: ClinVar variation 3602252 (VCV003602252.1).

ClinVar aggregate classification (germline): Uncertain significance (1 of 4 stars; one submission).

Submission:

GeneDx
Classification: Uncertain significance. Last evaluated: 2024-07-30. Review status: criteria provided, single submitter. Criteria: GeneDx Variant Classification Process June 2021. Collection method: clinical testing. Allele origin: germline. Affected: yes.
Comment: Not observed at significant frequency in large population cohorts (gnomAD); In silico analysis supports that this missense variant has a deleterious effect on protein structure/function; Has not been previously published as pathogenic or benign to our knowledge